The following is an entry in ClinVar:

ClinVar aggregate classification (germline): Uncertain significance (1 of 4 stars; one submission).

Allele frequency attached by ClinVar (database versions not stated): gnomAD exomes below 0.00001; gnomAD 0.00001; TOPMed 0.00001.
gnomAD v4.1: 5 of 1,610,272 alleles (0.00031%); highest among the groups gnomAD compares: Non-Finnish European, 0.00042%; no homozygotes.

Submission:

CeGaT Center for Human Genetics Tuebingen
Classification: Uncertain significance. Last evaluated: 2024-04-01. Review status: criteria provided, single submitter. Criteria: CeGaT Center For Human Genetics Tuebingen Variant Classification Criteria Version 2. Collection method: clinical testing. Allele origin: germline. Affected: yes. Observed: 1 variant allele.
Comment: PYCR1: PM2

NM_006907.4(PYCR1):c.35C>G (p.Ala12Gly)

Gene: PYCR1 (pyrroline-5-carboxylate reductase 1; minus strand). Cytogenetic location: 17q25.3.
Variant type: single nucleotide variant.
Coding change: c.35C>G on transcript NM_006907.4 (MANE Select); coding-DNA position 35, C replaced by G.
Protein change: p.Ala12Gly; replaces alanine 12 with glycine.
Molecular consequence: missense variant.
Genome position (GRCh38, 1-based): chr17:81,936,780, G>C on the plus strand (C>G on the coding strand, the complement: PYCR1 is on the minus strand). VCF-style: chr17-81936780-G-C. GRCh37 (hg19) VCF-style: chr17-79894656-G-C.
Other names: c.35C>G, p.Ala12Gly (NM_001282279.2, NM_001282280.2, NM_001330523.2 and 1 more transcripts); c.116C>G, p.Ala39Gly (NM_001282281.2); short protein forms A12G, A39G.
Identifiers: ClinVar variation 3234764 (VCV003234764.20), dbSNP rs1332388131, ClinGen allele CA401541146.